The following is an entry in ClinVar:

NM_005491.5(MAMLD1):c.*126C>T

Gene: MAMLD1 (mastermind like domain containing 1; plus strand). Cytogenetic location: Xq28.
Variant type: single nucleotide variant.
Coding change: c.*126C>T on transcript NM_005491.5 (MANE Select); 126 bases downstream of the stop codon, C replaced by T.
Molecular consequence: 3 prime UTR variant. On other transcripts: missense variant (2).
Genome position (GRCh38, 1-based): chrX:150,512,085, C>T. VCF-style: chrX-150512085-C-T. GRCh37 (hg19) VCF-style: chrX-149680355-C-T.
Other names: c.2009C>T, p.Thr670Ile (NM_001177465.3); c.*126C>T (NM_001177466.3, NM_001400513.1, NM_001400514.1 and 1 more transcripts); c.2084C>T, p.Thr695Ile (NM_001400512.1); short protein forms T670I, T695I.
Identifiers: ClinVar variation 982815 (VCV000982815.6), dbSNP rs147056898, ClinGen allele CA10538967.

ClinVar aggregate classification (germline): Benign/Likely benign. Review status: criteria provided, multiple submitters, no conflicts (2 of 4 stars). 4 submissions from 4 submitters: Benign (1); Likely benign (3). Last evaluated 2024-11-28.

Conditions:
Hypospadias 2, X-linked (HYSP2). Identifiers: Orphanet 440, MedGen C2677879, MONDO:0010423, OMIM 300758.

Allele frequency attached by ClinVar (database versions not stated): 1000 Genomes Project 0.00238; 1000 Genomes Project 30x 0.00250; gnomAD exomes 0.00329 and 0.00440; TOPMed 0.00329; gnomAD 0.00350 and 0.00351; ExAC 0.00442.
gnomAD v4.1: 4,943 of 1,147,637 alleles (0.43%); highest among the groups gnomAD compares: Non-Finnish European, 0.48%; 10 homozygotes.

Submissions (4):

Blueprint Genetics
Classification: Likely benign. Last evaluated: 2024-11-28. Review status: criteria provided, single submitter. Criteria: ACMG Guidelines, 2015. Collection method: clinical testing. Allele origin: germline.

Institute of Human Genetics, University of Leipzig Medical Center
Classification: Benign for Hypospadias 2, X-linked. Last evaluated: 2019-01-01. Review status: criteria provided, single submitter. Criteria: ACMG Guidelines, 2015. Collection method: clinical testing. Allele origin: unknown. Affected: yes.

GeneDx
Classification: Likely benign. Last evaluated: 2015-03-03. Review status: criteria provided, single submitter. Criteria: GeneDx Variant Classification Process June 2021. Collection method: clinical testing. Allele origin: germline. Affected: yes.
Comment: See Variant Classification Assertion Criteria.

Breakthrough Genomics
Classification: Likely benign. Review status: criteria provided, single submitter. Criteria: ACMG Guidelines, 2015. Collection method: not provided. Allele origin: germline. Inheritance: X-linked inheritance. Affected: yes.